The following is an entry in ClinVar:

NM_001374736.1(DST):c.5028G>A (p.Lys1676=)

Gene: DST (dystonin; minus strand). Cytogenetic location: 6p12.1.
Variant type: single nucleotide variant.
Coding change: c.5028G>A on transcript NM_001374736.1 (MANE Select); coding-DNA position 5028, G replaced by A.
Protein change: p.Lys1676=; no amino-acid change (lysine 1676 retained).
Molecular consequence: synonymous variant.
Genome position (GRCh38, 1-based): chr6:56,614,386, C>T on the plus strand (G>A on the coding strand, the complement: DST is on the minus strand). VCF-style: chr6-56614386-C-T. GRCh37 (hg19) VCF-style: chr6-56479184-C-T.
Other names: c.4929G>A, p.Lys1643= (NM_001144769.5); c.4515G>A, p.Lys1505= (NM_001144770.2); c.5028G>A, p.Lys1676= (NM_001374722.1); c.4395G>A, p.Lys1465= (NM_001374729.1, NM_001374730.1, NM_001386100.1 and 1 more transcripts); c.5055G>A, p.Lys1685= (NM_001374734.1); c.3417G>A, p.Lys1139= (NM_015548.5).
Identifiers: ClinVar variation 2194165 (VCV002194165.1), dbSNP rs767341047, ClinGen allele CA3869837.

ClinVar aggregate classification (germline): Uncertain significance (1 of 4 stars; one submission).

Conditions:
Epidermolysis bullosa simplex 3, localized or generalized intermediate, with BP230 deficiency (EBS3). Also called: Epidermolysis bullosa simplex due to BP230 deficiency; Epidermolysis bullosa simplex, autosomal recessive 2. Identifiers: Orphanet 412181, MedGen C3809470, MONDO:0014180, OMIM 615425.
Hereditary sensory and autonomic neuropathy type 6. Also called: Neuropathy, hereditary sensory and autonomic, type VI; HSAN VI. Identifiers: Orphanet 314381, MedGen C3539003, MONDO:0013839, OMIM 614653.

Allele frequency attached by ClinVar (database versions not stated): gnomAD exomes below 0.00001; ExAC 0.00001; gnomAD 0.00001.
gnomAD v4.1: 7 of 1,607,674 alleles (0.00044%); highest among the groups gnomAD compares: South Asian, 0.0033%; no homozygotes.

Submission:

Labcorp Genetics (formerly Invitae), Labcorp
Classification: Uncertain significance for Epidermolysis bullosa simplex 3, localized or generalized intermediate, with BP230 deficiency; Hereditary sensory and autonomic neuropathy type 6. Last evaluated: 2022-08-09. Review status: criteria provided, single submitter. Criteria: Invitae Variant Classification Sherloc (09022015). Collection method: clinical testing. Allele origin: germline.
Comment: The DST gene has multiple clinically relevant transcripts. This variant occurs in alternate transcript NM_015548.4, and corresponds to NM_001723.5:c.*1131G>A in the primary transcript. This sequence change affects codon 1139 of the DST mRNA. It is a 'silent' change, meaning that it does not change the encoded amino acid sequence of the DST protein. This variant is present in population databases (rs767341047, gnomAD 0.003%). This variant has not been reported in the literature in individuals affected with DST-related conditions. Experimental studies and prediction algorithms are not available or were not evaluated, and the effect of this variant on mRNA splicing is currently unknown. In summary, the available evidence is currently insufficient to determine the role of this variant in disease. Therefore, it has been classified as a Variant of Uncertain Significance.